The following is an entry in ClinVar:

NM_001457.4(FLNB):c.1483+3A>G

Gene: FLNB (filamin B; plus strand). Cytogenetic location: 3p14.3.
Variant type: single nucleotide variant.
Coding change: c.1483+3A>G on transcript NM_001457.4 (MANE Select); 3 bases into the intron after coding-DNA position 1483, A replaced by G.
Molecular consequence: intron variant.
Genome position (GRCh38, 1-based): chr3:58,102,343, A>G. VCF-style: chr3-58102343-A-G. GRCh37 (hg19) VCF-style: chr3-58088070-A-G.
Other names: c.1483+3A>G (NM_001164317.2, NM_001164318.2, NM_001164319.2).
Identifiers: ClinVar variation 4713716 (VCV004713716.1).

ClinVar aggregate classification (germline): Uncertain significance (1 of 4 stars; one submission).

gnomAD v4.1: 2 of 1,614,122 alleles (0.00012%); highest among the groups gnomAD compares: East Asian, 0.0022%; no homozygotes.

Submission:

Labcorp Genetics (formerly Invitae), Labcorp
Classification: Uncertain significance. Last evaluated: 2025-02-25. Review status: criteria provided, single submitter. Criteria: Invitae Variant Classification Sherloc (09022015). Collection method: clinical testing. Allele origin: germline.
Comment: This sequence change falls in intron 9 of the FLNB gene. It does not directly change the encoded amino acid sequence of the FLNB protein. It affects a nucleotide within the consensus splice site. This variant is not present in population databases (gnomAD no frequency). This variant has not been reported in the literature in individuals affected with FLNB-related conditions. Variants that disrupt the consensus splice site are a relatively common cause of aberrant splicing (PMID: 17576681, 9536098). Algorithms developed to predict the effect of sequence changes on RNA splicing suggest that this variant may disrupt the consensus splice site. In summary, the available evidence is currently insufficient to determine the role of this variant in disease. Therefore, it has been classified as a Variant of Uncertain Significance.

Literature cited by the submitters: PubMed 17576681; PubMed 9536098.